The following is an entry in ClinVar:

ClinVar aggregate classification (germline): Likely benign. Review status: criteria provided, multiple submitters, no conflicts (2 of 4 stars). 2 submissions from 2 submitters: Likely benign (2). Last evaluated 2017-04-27.

Conditions:
Parkinson disease, late-onset (PD). Also called: PARKINSON DISEASE, LATE-ONSET, SUSCEPTIBILITY TO; Susceptibility to Parkinson's Disease; Hereditary late onset Parkinson disease. Identifiers: Orphanet 411602, MedGen C3160718, MONDO:0008199, OMIM 168600.

Allele frequency attached by ClinVar (database versions not stated): 1000 Genomes Project 0.01378; gnomAD 0.01432 and 0.01558; 1000 Genomes Project 30x 0.01468; TOPMed 0.01659.
gnomAD v4.1: 3,541 of 1,130,212 alleles (0.31%); highest among the groups gnomAD compares: African/African-American, 5.2%; 84 homozygotes.

Submissions (2):

Illumina Laboratory Services, Illumina
Classification: Likely benign for Parkinson disease, late-onset. Last evaluated: 2017-04-27. Review status: criteria provided, single submitter. Criteria: ICSL Variant Classification Criteria 13 December 2019. Collection method: clinical testing. Allele origin: germline.
Comment: This variant was observed as part of a predisposition screen in an ostensibly healthy population. A literature search was performed for the gene, cDNA change, and amino acid change (where applicable). Publications were found based on this search. The evidence from the literature, in combination with allele frequency data from public databases where available, was sufficient to determine this variant is unlikely to cause disease. Therefore, this variant is classified as likely benign.

Breakthrough Genomics
Classification: Likely benign. Review status: criteria provided, single submitter. Criteria: ACMG Guidelines, 2015. Collection method: not provided. Allele origin: germline. Inheritance: Autosomal dominant inheritance. Affected: yes.

Literature cited by the submitters: PubMed 15079038 (cited by Illumina Laboratory Services, Illumina).

NM_006186.4(NR4A2):c.-223C>T

Genes: NR4A2 (nuclear receptor subfamily 4 group A member 2; minus strand), LOC129934941 (ATAC-STARR-seq lymphoblastoid silent region 12016; plus strand). Cytogenetic location: 2q24.1.
Variant type: single nucleotide variant.
Coding change: c.-223C>T on transcript NM_006186.4 (MANE Select); 223 bases upstream of the start codon, C replaced by T.
Molecular consequence: 5 prime UTR variant.
Genome position (GRCh38, 1-based): chr2:156,332,576, G>A on the plus strand (C>T on the coding strand, the complement: NR4A2 is on the minus strand). VCF-style: chr2-156332576-G-A. GRCh37 (hg19) VCF-style: chr2-157189088-G-A.
Other names: c.-234C>T (NM_173173.3).
Identifiers: ClinVar variation 331666 (VCV000331666.6), dbSNP rs114461423, ClinGen allele CA10611447.